The following is an entry in ClinVar:

ClinVar aggregate classification (germline): Pathogenic (1 of 4 stars; one submission).

Submission:

GeneDx
Classification: Pathogenic. Last evaluated: 2022-08-07. Review status: criteria provided, single submitter. Criteria: GeneDx Variant Classification Process June 2021. Collection method: clinical testing. Allele origin: germline. Affected: yes.
Comment: Not observed at significant frequency in large population cohorts (gnomAD); In silico analysis supports that this missense variant has a deleterious effect on protein structure/function; This variant is associated with the following publications: (PMID: 35599849)

NM_006160.4(NEUROD2):c.388G>A (p.Glu130Lys)

Gene: NEUROD2 (neuronal differentiation 2; minus strand). Cytogenetic location: 17q12.
Variant type: single nucleotide variant.
Coding change: c.388G>A on transcript NM_006160.4 (MANE Select); coding-DNA position 388, G replaced by A.
Protein change: p.Glu130Lys; replaces glutamic acid 130 with lysine.
Molecular consequence: missense variant.
Genome position (GRCh38, 1-based): chr17:39,606,212, C>T on the plus strand (G>A on the coding strand, the complement: NEUROD2 is on the minus strand). VCF-style: chr17-39606212-C-T. GRCh37 (hg19) VCF-style: chr17-37762465-C-T.
Other names: short protein forms E130K.
Identifiers: ClinVar variation 2430913 (VCV002430913.1), dbSNP rs1323339153, ClinGen allele CA399258583.